The following is an entry in ClinVar:

NM_001972.4(ELANE):c.680T>C (p.Leu227Pro)

Gene: ELANE (elastase, neutrophil expressed; plus strand). Cytogenetic location: 19p13.3.
Variant type: single nucleotide variant.
Coding change: c.680T>C on transcript NM_001972.4 (MANE Select); coding-DNA position 680, T replaced by C.
Protein change: p.Leu227Pro; replaces leucine 227 with proline.
Molecular consequence: missense variant.
Genome position (GRCh38, 1-based): chr19:856,040, T>C. VCF-style: chr19-856040-T-C. GRCh37 (hg19) VCF-style: chr19-856040-T-C.
Other names: short protein forms L227P.
Identifiers: ClinVar variation 4248081 (VCV004248081.1).

ClinVar aggregate classification (germline): Uncertain significance (1 of 4 stars; one submission).

Conditions:
Inborn genetic diseases. Identifiers: MedGen C0950123, MeSH D030342.

gnomAD v4.1: 1 of 1,613,574 alleles (0.000062%); highest among the groups gnomAD compares: Non-Finnish European, 0.000085%; no homozygotes.

Submission:

Ambry Genetics
Classification: Uncertain significance for Inborn genetic diseases. Last evaluated: 2025-08-12. Review status: criteria provided, single submitter. Criteria: Ambry Variant Classification Scheme 2023. Collection method: clinical testing. Allele origin: germline.
Comment: The p.L227P variant (also known as c.680T>C), located in coding exon 5 of the ELANE gene, results from a T to C substitution at nucleotide position 680. The leucine at codon 227 is replaced by proline, an amino acid with similar properties. This amino acid position is conserved. In addition, this alteration is predicted to be tolerated by in silico analysis. Based on the available evidence, the clinical significance of this variant remains unclear.